The following is an entry in ClinVar:

ClinVar aggregate classification (germline): Uncertain significance (1 of 4 stars; one submission).

Conditions:
Multiple endocrine neoplasia type 4. Also called: MULTIPLE ENDOCRINE NEOPLASIA, TYPE IV. Identifiers: Orphanet 276152, MedGen C1970712, MONDO:0012552, OMIM 610755.

Submission:

Labcorp Genetics (formerly Invitae), Labcorp
Classification: Uncertain significance for Multiple endocrine neoplasia type 4. Last evaluated: 2020-10-19. Review status: criteria provided, single submitter. Criteria: Invitae Variant Classification Sherloc (09022015). Collection method: clinical testing. Allele origin: germline.
Comment: In summary, the available evidence is currently insufficient to determine the role of this variant in disease. Therefore, it has been classified as a Variant of Uncertain Significance. Algorithms developed to predict the effect of missense changes on protein structure and function (SIFT, PolyPhen-2, Align-GVGD) all suggest that this variant is likely to be tolerated, but these predictions have not been confirmed by published functional studies and their clinical significance is uncertain. This variant has not been reported in the literature in individuals with CDKN1B-related conditions. This variant is not present in population databases (ExAC no frequency). This sequence change replaces asparagine with threonine at codon 124 of the CDKN1B protein (p.Asn124Thr). The asparagine residue is highly conserved and there is a small physicochemical difference between asparagine and threonine.

NM_004064.5(CDKN1B):c.371A>C (p.Asn124Thr)

Gene: CDKN1B (cyclin dependent kinase inhibitor 1B; plus strand). Cytogenetic location: 12p13.1.
Variant type: single nucleotide variant.
Coding change: c.371A>C on transcript NM_004064.5 (MANE Select); coding-DNA position 371, A replaced by C.
Protein change: p.Asn124Thr; replaces asparagine 124 with threonine.
Molecular consequence: missense variant.
Genome position (GRCh38, 1-based): chr12:12,718,210, A>C. VCF-style: chr12-12718210-A-C. GRCh37 (hg19) VCF-style: chr12-12871144-A-C.
Other names: short protein forms N124T.
Identifiers: ClinVar variation 1058991 (VCV001058991.9), dbSNP rs2136356311, ClinGen allele CA383970467.